The following continues an entry in ClinVar:

NM_001370466.1(NOD2):c.2023C>T (p.Arg675Trp)

Gene: NOD2. ClinVar aggregate classification (germline): Conflicting classifications of pathogenicity; association. Likely pathogenic (1); Uncertain significance (4); Benign (2); Likely benign (6).

Submissions 11 to 16 of 16:

Illumina Laboratory Services, Illumina
Classification: Likely benign for Blau syndrome. Last evaluated: 2017-04-27. Review status: criteria provided, single submitter. Criteria: ICSL Variant Classification Criteria 13 December 2019. Collection method: clinical testing. Allele origin: germline.
Comment: This variant was observed as part of a predisposition screen in an ostensibly healthy population. A literature search was performed for the gene, cDNA change, and amino acid change (where applicable). No publications were found based on this search. Allele frequency data from public databases allowed determination this variant is unlikely to cause disease. Therefore, this variant is classified as likely benign.

Illumina Laboratory Services, Illumina
Classification: Likely benign for Inflammatory bowel disease 1. Last evaluated: 2017-04-27. Review status: criteria provided, single submitter. Criteria: ICSL Variant Classification Criteria 13 December 2019. Collection method: clinical testing. Allele origin: germline.
Comment: This variant was observed as part of a predisposition screen in an ostensibly healthy population. A literature search was performed for the gene, cDNA change, and amino acid change (where applicable). Publications were found based on this search. The evidence from the literature, in combination with allele frequency data from public databases where available, was sufficient to determine this variant is unlikely to cause disease. Therefore, this variant is classified as likely benign.

Laboratory for Molecular Medicine, Mass General Brigham Personalized Medicine
Classification: Benign. Last evaluated: 2016-03-29. Review status: criteria provided, single submitter. Criteria: LMM Criteria. Collection method: clinical testing. Allele origin: germline.
Comment: Variant identified in a genome or exome case(s) and assessed due to predicted null impact of the variant or pathogenic assertions in the literature or databases. Disclaimer: This variant has not undergone full assessment. The following are preliminary notes: Frequency

Genomic Diagnostic Laboratory, Division of Genomic Diagnostics, Children's Hospital of Philadelphia
Classification: Uncertain significance. Last evaluated: 2015-04-17. Review status: criteria provided, single submitter. Criteria: DGD Variant Analysis Guidelines. Collection method: clinical testing. Allele origin: unknown.

OMIM
Classification: risk factor for INFLAMMATORY BOWEL DISEASE 1 (CROHN DISEASE), SUSCEPTIBILITY TO. Last evaluated: 2002-07-01. Review status: no assertion criteria provided. Collection method: literature only. Allele origin: germline. Not counted in ClinVar's aggregate classification.

OMIM
Classification: risk factor for YAO SYNDROME, SUSCEPTIBILITY TO. Last evaluated: 2002-07-01. Review status: no assertion criteria provided. Collection method: literature only. Allele origin: germline. Not counted in ClinVar's aggregate classification.

Literature cited by the submitters: PubMed 11385576 (cited by 3 submitters); PubMed 21548950 (cited by Labcorp Genetics (formerly Invitae), Labcorp); PubMed 18489434 (cited by Labcorp Genetics (formerly Invitae), Labcorp); PubMed 21274544 (cited by Labcorp Genetics (formerly Invitae), Labcorp); PubMed 15770725 (cited by Labcorp Genetics (formerly Invitae), Labcorp); PubMed 15024686 (cited by Labcorp Genetics (formerly Invitae), Labcorp); PubMed 15571588 (cited by Labcorp Genetics (formerly Invitae), Labcorp); PubMed 19713276 (cited by Labcorp Genetics (formerly Invitae), Labcorp); PubMed 12512038 (cited by Labcorp Genetics (formerly Invitae), Labcorp and Illumina Laboratory Services, Illumina); PubMed 15198989 (cited by Labcorp Genetics (formerly Invitae), Labcorp); PubMed 18240302 (cited by Labcorp Genetics (formerly Invitae), Labcorp); PubMed 22684479 (cited by Labcorp Genetics (formerly Invitae), Labcorp); PubMed 21830272 (cited by Illumina Laboratory Services, Illumina); PubMed 15967635 (cited by Illumina Laboratory Services, Illumina); PubMed 20959815 (cited by Illumina Laboratory Services, Illumina); PubMed 18541930 (cited by Illumina Laboratory Services, Illumina); PubMed 11875755 (cited by Illumina Laboratory Services, Illumina); PubMed 12019468 (cited by OMIM); PubMed 21914217 (cited by OMIM); PubMed 23102769 (cited by OMIM); PubMed 26070941 (cited by OMIM).